The following is an entry in ClinVar:

ClinVar aggregate classification (germline): Uncertain significance (1 of 4 stars; one submission).

Submission:

Labcorp Genetics (formerly Invitae), Labcorp
Classification: Uncertain significance. Last evaluated: 2022-07-17. Review status: criteria provided, single submitter. Criteria: Invitae Variant Classification Sherloc (09022015). Collection method: clinical testing. Allele origin: germline.
Comment: In summary, the available evidence is currently insufficient to determine the role of this variant in disease. Therefore, it has been classified as a Variant of Uncertain Significance. Algorithms developed to predict the effect of missense changes on protein structure and function are either unavailable or do not agree on the potential impact of this missense change (SIFT: "Tolerated"; PolyPhen-2: "Possibly Damaging"; Align-GVGD: "Class C0"). This variant has not been reported in the literature in individuals affected with SNX10-related conditions. This variant is present in population databases (rs370848315, gnomAD 0.006%). This sequence change replaces arginine, which is basic and polar, with cysteine, which is neutral and slightly polar, at codon 88 of the SNX10 protein (p.Arg88Cys).

NM_013322.3(SNX10):c.262C>T (p.Arg88Cys)

Gene: SNX10 (sorting nexin 10; plus strand). Cytogenetic location: 7p15.2.
Variant type: single nucleotide variant.
Coding change: c.262C>T on transcript NM_013322.3 (MANE Select); coding-DNA position 262, C replaced by T.
Protein change: p.Arg88Cys; replaces arginine 88 with cysteine.
Molecular consequence: missense variant.
Genome position (GRCh38, 1-based): chr7:26,365,096, C>T. VCF-style: chr7-26365096-C-T. GRCh37 (hg19) VCF-style: chr7-26404716-C-T.
Other names: c.262C>T, p.Arg88Cys (NM_001199835.1, NM_001318199.3); c.253C>T, p.Arg85Cys (NM_001199837.3); c.10C>T, p.Arg4Cys (NM_001199838.2); c.340C>T, p.Arg114Cys (NM_001318198.1, NM_001362753.1, NM_001362754.1); short protein forms R85C, R88C, R114C, R4C.
Identifiers: ClinVar variation 2198839 (VCV002198839.2), dbSNP rs370848315, ClinGen allele CA4195218.